The following is an entry in ClinVar:

ClinVar aggregate classification (germline): Uncertain significance (1 of 4 stars; one submission).

Allele frequency attached by ClinVar (database versions not stated): gnomAD exomes below 0.00001; ExAC 0.00001; gnomAD 0.00001; TOPMed 0.00001.
gnomAD v4.1: 5 of 1,614,038 alleles (0.00031%); highest among the groups gnomAD compares: African/African-American, 0.004%; no homozygotes.

Submission:

Labcorp Genetics (formerly Invitae), Labcorp
Classification: Uncertain significance. Last evaluated: 2022-07-27. Review status: criteria provided, single submitter. Criteria: Invitae Variant Classification Sherloc (09022015). Collection method: clinical testing. Allele origin: germline.
Comment: In summary, the available evidence is currently insufficient to determine the role of this variant in disease. Therefore, it has been classified as a Variant of Uncertain Significance. Algorithms developed to predict the effect of missense changes on protein structure and function are either unavailable or do not agree on the potential impact of this missense change (SIFT: "Not Available"; PolyPhen-2: "Probably Damaging"; Align-GVGD: "Not Available"). This variant has not been reported in the literature in individuals affected with VPS13D-related conditions. This variant is present in population databases (rs773382987, gnomAD 0.01%). This sequence change replaces valine, which is neutral and non-polar, with alanine, which is neutral and non-polar, at codon 730 of the VPS13D protein (p.Val730Ala).

NM_015378.4(VPS13D):c.2189T>C (p.Val730Ala)

Gene: VPS13D (vacuolar protein sorting 13 homolog D; plus strand). Cytogenetic location: 1p36.22.
Variant type: single nucleotide variant.
Coding change: c.2189T>C on transcript NM_015378.4 (MANE Select); coding-DNA position 2189, T replaced by C.
Protein change: p.Val730Ala; replaces valine 730 with alanine.
Molecular consequence: missense variant.
Genome position (GRCh38, 1-based): chr1:12,273,088, T>C. VCF-style: chr1-12273088-T-C. GRCh37 (hg19) VCF-style: chr1-12333145-T-C.
Other names: c.2189T>C, p.Val730Ala (NM_018156.4); short protein forms V730A.
Identifiers: ClinVar variation 1908016 (VCV001908016.5), dbSNP rs773382987, ClinGen allele CA601763.